The following is an entry in ClinVar:

ClinVar aggregate classification (germline): Uncertain significance. Review status: criteria provided, multiple submitters, no conflicts (2 of 4 stars). 2 submissions from 2 submitters: Uncertain significance (2). Last evaluated 2025-03-21.

Conditions:
Cystic fibrosis (CF). Also called: MUCOVISCIDOSIS. Identifiers: Orphanet 586, MedGen C0010674, MONDO:0009061, OMIM 219700. Disease mechanism: loss of function.

Allele frequency attached by ClinVar (database versions not stated): TOPMed 0.00001.

Submissions (2):

Ambry Genetics
Classification: Uncertain significance for Cystic fibrosis. Last evaluated: 2025-03-21. Review status: criteria provided, single submitter. Criteria: Ambry Variant Classification Scheme 2023. Collection method: clinical testing. Allele origin: germline.
Comment: The p.F337L variant (also known as c.1011C>G), located in coding exon 8 of the CFTR gene, results from a C to G substitution at nucleotide position 1011. The phenylalanine at codon 337 is replaced by leucine, an amino acid with highly similar properties. This amino acid position is highly conserved in available vertebrate species. In addition, the in silico prediction for this alteration is inconclusive. Based on the available evidence, the clinical significance of this variant remains unclear.

Labcorp Genetics (formerly Invitae), Labcorp
Classification: Uncertain significance for Cystic fibrosis. Last evaluated: 2021-10-02. Review status: criteria provided, single submitter. Criteria: Invitae Variant Classification Sherloc (09022015). Collection method: clinical testing. Allele origin: germline.
Comment: In summary, the available evidence is currently insufficient to determine the role of this variant in disease. Therefore, it has been classified as a Variant of Uncertain Significance. Algorithms developed to predict the effect of missense changes on protein structure and function are either unavailable or do not agree on the potential impact of this missense change (SIFT: "Deleterious"; PolyPhen-2: "Probably Damaging"; Align-GVGD: "Class C15"). This variant has not been reported in the literature in individuals affected with CFTR-related conditions. This variant is not present in population databases (ExAC no frequency). This sequence change replaces phenylalanine with leucine at codon 337 of the CFTR protein (p.Phe337Leu). The phenylalanine residue is highly conserved and there is a small physicochemical difference between phenylalanine and leucine.

NM_000492.4(CFTR):c.1011C>G (p.Phe337Leu)

Gene: CFTR (CF transmembrane conductance regulator; plus strand). Cytogenetic location: 7q31.2.
Variant type: single nucleotide variant.
Coding change: c.1011C>G on transcript NM_000492.4 (MANE Select); coding-DNA position 1011, C replaced by G.
Protein change: p.Phe337Leu; replaces phenylalanine 337 with leucine.
Molecular consequence: missense variant.
Genome position (GRCh38, 1-based): chr7:117,540,241, C>G. VCF-style: chr7-117540241-C-G. GRCh37 (hg19) VCF-style: chr7-117180295-C-G.
Other names: c.1011C>G (NM_000492.3); short protein forms F337L.
Identifiers: ClinVar variation 1360939 (VCV001360939.7), dbSNP rs1799029121, ClinGen allele CA368978771.
Genomic context (GRCh38, chr7:117,540,241, plus strand): 5'-GGTGTTTTTATCTGTGCTTCCCTATGCACTAATCAAAGGAATCATCCTCCGGAAAATATT[C>G]ACCACCATCTCATTCTGCATTGTTCTGCGCATGGCGGTCACTCGGCAATTTCCCTGGGCT-3'
Protein context (NP_000483.3, residues 327-347): LIKGIILRKI[Phe337Leu]TTISFCIVLR